The following is an entry in ClinVar:

ClinVar aggregate classification (germline): Uncertain significance (1 of 4 stars; one submission).

Allele frequency attached by ClinVar (database versions not stated): gnomAD exomes below 0.00001; ExAC 0.00002; gnomAD 0.00002; TOPMed 0.00002; ESP Exome Variant Server 0.00008.
gnomAD v4.1: 10 of 1,614,108 alleles (0.00062%); highest among the groups gnomAD compares: Non-Finnish European, 0.00085%; no homozygotes.

Submission:

Labcorp Genetics (formerly Invitae), Labcorp
Classification: Uncertain significance. Last evaluated: 2024-04-10. Review status: criteria provided, single submitter. Criteria: Invitae Variant Classification Sherloc (09022015). Collection method: clinical testing. Allele origin: germline.
Comment: This sequence change replaces proline, which is neutral and non-polar, with leucine, which is neutral and non-polar, at codon 1687 of the LTBP2 protein (p.Pro1687Leu). This variant is present in population databases (rs373819915, gnomAD 0.004%). This variant has not been reported in the literature in individuals affected with LTBP2-related conditions. ClinVar contains an entry for this variant (Variation ID: 1932951). Algorithms developed to predict the effect of missense changes on protein structure and function output the following: SIFT: "Not Available"; PolyPhen-2: "Benign"; Align-GVGD: "Not Available". The leucine amino acid residue is found in multiple mammalian species, which suggests that this missense change does not adversely affect protein function. In summary, the available evidence is currently insufficient to determine the role of this variant in disease. Therefore, it has been classified as a Variant of Uncertain Significance.

NM_000428.3(LTBP2):c.5060C>T (p.Pro1687Leu)

Gene: LTBP2 (latent transforming growth factor beta binding protein 2; minus strand). Cytogenetic location: 14q24.3.
Variant type: single nucleotide variant.
Coding change: c.5060C>T on transcript NM_000428.3 (MANE Select); coding-DNA position 5060, C replaced by T.
Protein change: p.Pro1687Leu; replaces proline 1687 with leucine.
Molecular consequence: missense variant.
Genome position (GRCh38, 1-based): chr14:74,502,763, G>A on the plus strand (C>T on the coding strand, the complement: LTBP2 is on the minus strand). VCF-style: chr14-74502763-G-A. GRCh37 (hg19) VCF-style: chr14-74969466-G-A.
Other names: short protein forms P1687L.
Identifiers: ClinVar variation 1932951 (VCV001932951.3), dbSNP rs373819915, ClinGen allele CA7268542.
Genomic context (GRCh38, chr14:74,502,763, plus strand): 5'-GACTCAAGGATGGGTGTGCGGTCCGCTGAGTGACCGGCTGTGTTGGGGAAGGCAGGCTCA[G>A]GGACGGTGTCCTCGGGGCCCAGGTAGTTGTAGAAGGGGGCCCCATCTGGGCCATAGATGC-3'
Protein context (NP_000419.1, residues 1677-1697): YNYLGPEDTV[Pro1687Leu]EPAFPNTAGH